The following is an entry in ClinVar:

NM_003070.5(SMARCA2):c.1454C>T (p.Ala485Val)

Gene: SMARCA2 (SWI/SNF related BAF chromatin remodeling complex subunit ATPase 2; plus strand). Cytogenetic location: 9p24.3.
Variant type: single nucleotide variant.
Coding change: c.1454C>T on transcript NM_003070.5 (MANE Select); coding-DNA position 1454, C replaced by T.
Protein change: p.Ala485Val; replaces alanine 485 with valine.
Molecular consequence: missense variant.
Genome position (GRCh38, 1-based): chr9:2,058,397, C>T. VCF-style: chr9-2058397-C-T. GRCh37 (hg19) VCF-style: chr9-2058397-C-T.
Other names: c.1454C>T, p.Ala485Val (NM_001289396.2, NM_001289397.2, NM_139045.4); short protein forms A485V.
Identifiers: ClinVar variation 3369041 (VCV003369041.1).

ClinVar aggregate classification (germline): Uncertain significance (1 of 4 stars; one submission).

gnomAD v4.1: 1 of 1,614,016 alleles (0.000062%); highest among the groups gnomAD compares: Non-Finnish European, 0.000085%; no homozygotes.

Submission:

GeneDx
Classification: Uncertain significance. Last evaluated: 2024-02-13. Review status: criteria provided, single submitter. Criteria: GeneDx Variant Classification Process June 2021. Collection method: clinical testing. Allele origin: germline. Affected: yes.
Comment: Not observed at significant frequency in large population cohorts (gnomAD); In silico analysis supports that this missense variant has a deleterious effect on protein structure/function; Has not been previously published as pathogenic or benign to our knowledge